The following is an entry in ClinVar:

ClinVar aggregate classification (germline): Benign (1 of 4 stars; one submission).

Allele frequency attached by ClinVar (database versions not stated): 1000 Genomes Project 30x 0.82339; TOPMed 0.82966; 1000 Genomes Project 0.83187; gnomAD 0.83546 and 0.83966; gnomAD exomes 0.89300.

Submission:

GeneDx
Classification: Benign. Last evaluated: 2018-06-14. Review status: criteria provided, single submitter. Criteria: GeneDx Variant Classification (06012015). Collection method: clinical testing. Allele origin: germline. Affected: yes.
Comment: This variant is considered likely benign or benign based on one or more of the following criteria: it is a conservative change, it occurs at a poorly conserved position in the protein, it is predicted to be benign by multiple in silico algorithms, and/or has population frequency not consistent with disease.

NM_020774.4(MIB1):c.2050-89del

Gene: MIB1 (MIB E3 ubiquitin protein ligase 1; plus strand). Cytogenetic location: 18q11.2.
Variant type: Deletion.
Coding change: c.2050-89del on transcript NM_020774.4 (MANE Select); 89 bases into the intron before coding-DNA position 2050, one base deleted (T; older notation c.2050-89delT).
Molecular consequence: intron variant.
Genome position (GRCh38, 1-based): chr18:21,844,003, T deleted. VCF-style (leftmost placement, unchanged base first): chr18-21844002-GT-G. GRCh37 (hg19) VCF-style: chr18-19423963-GT-G.
Other names: c.2050-89delT (NM_020774.3).
Identifiers: ClinVar variation 678067 (VCV000678067.1), dbSNP rs3216119, ClinGen allele CA296935121.